The following is an entry in ClinVar:

ClinVar aggregate classification (germline): Uncertain significance (1 of 4 stars; one submission).

Conditions:
Hereditary cancer-predisposing syndrome. Also called: Hereditary Cancer Syndrome; Hereditary neoplastic syndrome; Neoplastic Syndromes, Hereditary; Tumor predisposition. Identifiers: Orphanet 140162, MedGen C0027672, MeSH D009386, MONDO:0015356.

Submission:

Ambry Genetics
Classification: Uncertain significance for Hereditary cancer-predisposing syndrome. Last evaluated: 2022-05-21. Review status: criteria provided, single submitter. Criteria: Ambry Variant Classification Scheme 2023. Collection method: clinical testing. Allele origin: germline.
Comment: The p.M142I variant (also known as c.426G>C), located in coding exon 4 of the SDHA gene, results from a G to C substitution at nucleotide position 426. The methionine at codon 142 is replaced by isoleucine, an amino acid with highly similar properties. This amino acid position is conserved. In addition, this alteration is predicted to be deleterious by in silico analysis. Since supporting evidence is limited at this time, the clinical significance of this alteration remains unclear.

NM_004168.4(SDHA):c.426G>C (p.Met142Ile)

Gene: SDHA (succinate dehydrogenase complex flavoprotein subunit A; plus strand). Cytogenetic location: 5p15.33.
Variant type: single nucleotide variant.
Coding change: c.426G>C on transcript NM_004168.4 (MANE Select); coding-DNA position 426, G replaced by C.
Protein change: p.Met142Ile; replaces methionine 142 with isoleucine.
Molecular consequence: missense variant. On other transcripts: intron variant (1).
Genome position (GRCh38, 1-based): chr5:225,532, G>C. VCF-style: chr5-225532-G-C. GRCh37 (hg19) VCF-style: chr5-225647-G-C.
Other names: c.426G>C, p.Met142Ile (NM_001330758.2); c.313-351G>C (NM_001294332.2); short protein forms M142I.
Identifiers: ClinVar variation 1739247 (VCV001739247.2), dbSNP rs2477295542, ClinGen allele CA359009609.
Genomic context (GRCh38, chr5:225,532, plus strand): 5'-TTTCTACGACACCGTGAAGGGCTCCGACTGGCTGGGGGACCAGGATGCCATCCACTACAT[G>C]ACGGAGCAGGCCCCCGCCGCCGTGGTCGAGGTGATGGGCGGGAGGCTCTGGGTGTTCTCG-3'
Protein context (NP_004159.2, residues 132-152): WLGDQDAIHY[Met142Ile]TEQAPAAVVE